The following is an entry in ClinVar:

NM_001029883.3(PCARE):c.3704C>T (p.Pro1235Leu)

Gene: PCARE (photoreceptor cilium actin regulator; minus strand). Cytogenetic location: 2p23.2.
Variant type: single nucleotide variant.
Coding change: c.3704C>T on transcript NM_001029883.3 (MANE Select); coding-DNA position 3704, C replaced by T.
Protein change: p.Pro1235Leu; replaces proline 1235 with leucine.
Molecular consequence: missense variant.
Genome position (GRCh38, 1-based): chr2:29,065,032, G>A on the plus strand (C>T on the coding strand, the complement: PCARE is on the minus strand). VCF-style: chr2-29065032-G-A. GRCh37 (hg19) VCF-style: chr2-29287898-G-A.
Other names: short protein forms P1235L.
Identifiers: ClinVar variation 851239 (VCV000851239.11), dbSNP rs201933656, ClinGen allele CA1591847.
Genomic context (GRCh38, chr2:29,065,032, plus strand): 5'-TCTGGGGGAGATGCACGCCTGGTGCCGCCCTGCAGTTCAGGGGAACAGGGGCTGCTCCCC[G>A]GCTCTGTGTCCTTCTTAGGGCTCTCCTCGCTGCTGCTGCCGAGAGAAAGGACAAGTGCAG-3'
Protein context (NP_001025054.1, residues 1225-1245): SEESPKKDTE[Pro1235Leu]GSSPCSPELQ

ClinVar aggregate classification (germline): Conflicting classifications of pathogenicity. Review status: criteria provided, conflicting classifications (1 of 4 stars). 5 submissions from 5 submitters: Uncertain significance (3); Likely benign (2). Last evaluated 2026-03-09.

Conditions:
Retinal dystrophy. Also called: Inherited retinal dystrophy. Identifiers: Orphanet 71862, MedGen C0854723, MeSH D058499, MONDO:0019118, HP:0000556.
PCARE-related disorder. Also called: PCARE-related condition.

Allele frequency attached by ClinVar (database versions not stated): ExAC 0.00009; gnomAD exomes 0.00014 and 0.00030; ESP Exome Variant Server 0.00016; 1000 Genomes Project 0.00020; TOPMed 0.00028; 1000 Genomes Project 30x 0.00031; gnomAD 0.00033 and 0.00034.
gnomAD v4.1: 259 of 1,553,808 alleles (0.017%); highest among the groups gnomAD compares: East Asian, 0.14%; no homozygotes.

Submissions (5):

PreventionGenetics, part of Exact Sciences
Classification: Uncertain significance for PCARE-related condition. Last evaluated: 2026-03-09. Review status: criteria provided, single submitter. Criteria: ACMG Guidelines, 2015. Collection method: clinical testing. Allele origin: germline.
Comment: The PCARE c.3704C>T variant is predicted to result in the amino acid substitution p.Pro1235Leu. This variant was reported in a cohort of individuals with retinitis pigmentosa, but did not segregate with disease in at least one family (supplementary data, Xu et al. 2014. PubMed ID: 24938718; supplementary data, Koyanagi et al. 2019. PubMed ID: 31213501; Zufiaurre-Seijo et al. 2023. PubMed ID: 37445847). However, this variant is reported in 0.20% of alleles in individuals of East Asian descent in gnomAD, which may be too frequent to be a primary cause of disease. Although we suspect that this variant may be benign, at this time, the clinical significance of this variant is uncertain due to the absence of conclusive functional and genetic evidence.

Labcorp Genetics (formerly Invitae), Labcorp
Classification: Uncertain significance. Last evaluated: 2025-01-07. Review status: criteria provided, single submitter. Criteria: Invitae Variant Classification Sherloc (09022015). Collection method: clinical testing. Allele origin: germline.
Comment: This sequence change replaces proline, which is neutral and non-polar, with leucine, which is neutral and non-polar, at codon 1235 of the PCARE protein (p.Pro1235Leu). This variant is present in population databases (rs201933656, gnomAD 0.2%). This missense change has been observed in individual(s) with autosomal recessive retinitis pigmentosa (PMID: 24938718, 31213501). ClinVar contains an entry for this variant (Variation ID: 851239). An algorithm developed to predict the effect of missense changes on protein structure and function outputs the following: PolyPhen-2: "Benign". The leucine amino acid residue is found in multiple mammalian species, which suggests that this missense change does not adversely affect protein function. In summary, the available evidence is currently insufficient to determine the role of this variant in disease. Therefore, it has been classified as a Variant of Uncertain Significance.

Blueprint Genetics
Classification: Likely benign. Last evaluated: 2024-10-22. Review status: criteria provided, single submitter. Criteria: ACMG Guidelines, 2015. Collection method: clinical testing. Allele origin: germline.

Dept Of Ophthalmology, Nagoya University
Classification: Likely benign for Retinal dystrophy. Last evaluated: 2023-10-01. Review status: criteria provided, single submitter. Criteria: Submitter's publication. Collection method: research. Allele origin: germline. Affected: yes.

Institute of Human Genetics, Univ. Regensburg, Univ. Regensburg
Classification: Uncertain significance for Retinal dystrophy. Last evaluated: 2022-01-01. Review status: criteria provided, single submitter. Criteria: ACMG Guidelines, 2015. Collection method: clinical testing. Allele origin: germline. Affected: yes.

Literature cited by the submitters: PubMed 24938718 (cited by Labcorp Genetics (formerly Invitae), Labcorp and Institute of Human Genetics, Univ. Regensburg, Univ. Regensburg); PubMed 31213501 (cited by Labcorp Genetics (formerly Invitae), Labcorp); PubMed 312135 (cited by Institute of Human Genetics, Univ. Regensburg, Univ. Regensburg).